The following is an entry in ClinVar:

NM_018896.5(CACNA1G):c.5358G>A (p.Arg1786=)

Gene: CACNA1G (calcium voltage-gated channel subunit alpha1 G; plus strand). Cytogenetic location: 17q21.33.
Variant type: single nucleotide variant.
Coding change: c.5358G>A on transcript NM_018896.5 (MANE Select); coding-DNA position 5358, G replaced by A.
Protein change: p.Arg1786=; no amino-acid change (arginine 1786 retained).
Molecular consequence: synonymous variant. On other transcripts: non-coding transcript variant (5).
Genome position (GRCh38, 1-based): chr17:50,618,274, G>A. VCF-style: chr17-50618274-G-A. GRCh37 (hg19) VCF-style: chr17-48695635-G-A.
Other names: c.5304G>A, p.Arg1768= (NM_001256324.2, NM_198386.3); c.5379G>A, p.Arg1793= (NM_001256325.2); c.5223G>A, p.Arg1741= (NM_001256326.2, NM_001256330.2); c.5337G>A, p.Arg1779= (NM_001256327.2); c.5283G>A, p.Arg1761= (NM_001256328.2); c.5256G>A, p.Arg1752= (NM_001256329.2, NM_198376.3, NM_198379.3 and 2 more transcripts); c.5202G>A, p.Arg1734= (NM_001256331.2); c.5187G>A, p.Arg1729= (NM_001256332.2); and 8 more.
Identifiers: ClinVar variation 1909562 (VCV001909562.8), dbSNP rs373329040, ClinGen allele CA8653383.
Genomic context (GRCh38, chr17:50,618,274, plus strand): 5'-TCCCCCAGAGTGTGACGAGACACACCCCTGTGAGGGCCTGGGCCGTCATGCCACCTTTCG[G>A]AACTTTGGCATGGCCTTCCTAACCCTCTTCCGAGTCTCCACAGGTGACAATTGGAATGGC-3'
Protein context (NP_061496.2, residues 1776-1796): CEGLGRHATF[Arg1786=]NFGMAFLTLF

ClinVar aggregate classification (germline): Likely benign. Review status: criteria provided, multiple submitters, no conflicts (2 of 4 stars). 4 submissions from 4 submitters: Likely benign (3). 1 of the submissions does not count toward it. Last evaluated 2025-10-15.

Conditions:
CACNA1G-related disorder. Also called: CACNA1G-related disorders; CACNA1G-related condition.

Allele frequency attached by ClinVar (database versions not stated): ExAC 0.00002; gnomAD 0.00003; TOPMed 0.00005; ESP Exome Variant Server 0.00008; gnomAD exomes 0.00010.
gnomAD v4.1: 147 of 1,613,690 alleles (0.0091%); highest among the groups gnomAD compares: Non-Finnish European, 0.012%; no homozygotes.

Submissions (4):

Women's Health and Genetics/Laboratory Corporation of America, LabCorp
Classification: Likely benign. Last evaluated: 2025-10-15. Review status: criteria provided, single submitter. Criteria: LabCorp Variant Classification Summary - May 2015. Collection method: clinical testing. Allele origin: germline.

Blueprint Genetics
Classification: Likely benign. Last evaluated: 2024-01-10. Review status: criteria provided, single submitter. Criteria: ACMG Guidelines, 2015. Collection method: clinical testing. Allele origin: germline.

Labcorp Genetics (formerly Invitae), Labcorp
Classification: Likely benign. Last evaluated: 2022-05-23. Review status: criteria provided, single submitter. Criteria: Invitae Variant Classification Sherloc (09022015). Collection method: clinical testing. Allele origin: germline.

PreventionGenetics, part of Exact Sciences
Classification: Likely benign for CACNA1G-related condition. Last evaluated: 2024-04-30. Review status: no assertion criteria provided. Collection method: clinical testing. Allele origin: germline. Not counted in ClinVar's aggregate classification.
Comment: This variant is classified as likely benign based on ACMG/AMP sequence variant interpretation guidelines (Richards et al. 2015 PMID: 25741868, with internal and published modifications).